The following is an entry in ClinVar:

ClinVar aggregate classification (germline): Uncertain significance (1 of 4 stars; one submission).

Allele frequency attached by ClinVar (database versions not stated): gnomAD exomes below 0.00001; TOPMed below 0.00001; ExAC 0.00001; gnomAD 0.00001.
gnomAD v4.1: 5 of 1,614,020 alleles (0.00031%); highest among the groups gnomAD compares: East Asian, 0.0067%; no homozygotes.

Submissions (2):

Labcorp Genetics (formerly Invitae), Labcorp
Classification: Uncertain significance. Last evaluated: 2022-07-19. Review status: criteria provided, single submitter. Criteria: Invitae Variant Classification Sherloc (09022015). Collection method: clinical testing. Allele origin: germline.
Comment: This sequence change replaces lysine, which is basic and polar, with glutamic acid, which is acidic and polar, at codon 1319 of the ELP1 protein (p.Lys1319Glu). This variant is present in population databases (rs749365565, gnomAD 0.02%). This variant has not been reported in the literature in individuals affected with ELP1-related conditions. Algorithms developed to predict the effect of missense changes on protein structure and function are either unavailable or do not agree on the potential impact of this missense change (SIFT: "Tolerated"; PolyPhen-2: "Possibly Damaging"; Align-GVGD: "Class C0"). Algorithms developed to predict the effect of sequence changes on RNA splicing suggest that this variant may create or strengthen a splice site. In summary, the available evidence is currently insufficient to determine the role of this variant in disease. Therefore, it has been classified as a Variant of Uncertain Significance.

Dr. Peter K. Rogan Lab, Western University
No classification provided (evidence only). Condition: Thymoma. Review status: no classification provided. Collection method: in vitro. Allele origin: not applicable. Functional consequence: retained intron. Not counted in ClinVar's aggregate classification.

NM_003640.5(ELP1):c.3955A>G (p.Lys1319Glu)

Gene: ELP1 (elongator acetyltransferase complex subunit 1; minus strand). Cytogenetic location: 9q31.3.
Variant type: single nucleotide variant.
Coding change: c.3955A>G on transcript NM_003640.5 (MANE Select); coding-DNA position 3955, A replaced by G.
Protein change: p.Lys1319Glu; replaces lysine 1319 with glutamic acid.
Molecular consequence: missense variant.
Genome position (GRCh38, 1-based): chr9:108,869,159, T>C on the plus strand (A>G on the coding strand, the complement: ELP1 is on the minus strand). VCF-style: chr9-108869159-T-C. GRCh37 (hg19) VCF-style: chr9-111631439-T-C.
Other names: c.3613A>G, p.Lys1205Glu (NM_001318360.2); c.2908A>G, p.Lys970Glu (NM_001330749.2); short protein forms K1205E, K970E, K1319E.
Identifiers: ClinVar variation 1992218 (VCV001992218.2), dbSNP rs749365565, ClinGen allele CA5174112.
Genomic context (GRCh38, chr9:108,869,159, plus strand): 5'-TCCTAACTGCAGTCACTCAGTCTAGCAGGCTCAGCTTCCACTGGGTTCTTCTGTTGATCT[T>C]TGGTGGTATAAAAAGCTCAGCATCTAAAAGCAAGAAAGGAAGGGAAATTGTGACAGACAT-3'
Protein context (NP_003631.2, residues 1309-1329): VLDAELFIPP[Lys1319Glu]INRRTQWKLS